The following is an entry in ClinVar:

NM_003482.4(KMT2D):c.7769C>A (p.Ser2590Ter)

Gene: KMT2D (lysine methyltransferase 2D; minus strand). Cytogenetic location: 12q13.12.
Variant type: single nucleotide variant.
Coding change: c.7769C>A on transcript NM_003482.4 (MANE Select); coding-DNA position 7769, C replaced by A.
Protein change: p.Ser2590Ter; replaces serine 2590 with a stop codon.
Molecular consequence: nonsense.
Genome position (GRCh38, 1-based): chr12:49,040,001, G>T on the plus strand (C>A on the coding strand, the complement: KMT2D is on the minus strand). VCF-style: chr12-49040001-G-T. GRCh37 (hg19) VCF-style: chr12-49433784-G-T.
Other names: short protein forms S2590*.
Identifiers: ClinVar variation 954698 (VCV000954698.7), dbSNP rs760007799, ClinGen allele CA384746892.

ClinVar aggregate classification (germline): Pathogenic (1 of 4 stars; one submission).

Conditions:
Kabuki syndrome. Also called: Kabuki make-up syndrome; NIIKAWA-KUROKI SYNDROME. Identifiers: Orphanet 2322, MedGen C0796004, MONDO:0016512.

Submission:

Labcorp Genetics (formerly Invitae), Labcorp
Classification: Pathogenic for Kabuki syndrome. Last evaluated: 2019-08-26. Review status: criteria provided, single submitter. Criteria: Invitae Variant Classification Sherloc (09022015). Collection method: clinical testing. Allele origin: germline.
Comment: This variant is not present in population databases (ExAC no frequency). For these reasons, this variant has been classified as Pathogenic. Loss-of-function variants in KMT2D are known to be pathogenic (PMID: 22126750). Algorithms developed to predict the effect of sequence changes on RNA splicing suggest that this variant may create or strengthen a splice site, but this prediction has not been confirmed by published transcriptional studies. This variant has not been reported in the literature in individuals with KMT2D-related conditions. This sequence change creates a premature translational stop signal (p.Ser2590*) in the KMT2D gene. It is expected to result in an absent or disrupted protein product.

Literature cited by the submitters: PubMed 22126750.